The following is an entry in ClinVar:

NM_001130987.2(DYSF):c.4639C>T (p.Gln1547Ter)

Gene: DYSF (dysferlin; plus strand). Cytogenetic location: 2p13.2.
Variant type: single nucleotide variant.
Coding change: c.4639C>T on transcript NM_001130987.2 (MANE Select); coding-DNA position 4639, C replaced by T.
Protein change: p.Gln1547Ter; replaces glutamine 1547 with a stop codon.
Molecular consequence: nonsense.
Genome position (GRCh38, 1-based): chr2:71,656,174, C>T. VCF-style: chr2-71656174-C-T. GRCh37 (hg19) VCF-style: chr2-71883304-C-T.
Other names: c.4525C>T, p.Gln1509Ter (NM_001130455.2); c.4480C>T, p.Gln1494Ter (NM_001130976.2); c.4543C>T, p.Gln1515Ter (NM_001130977.2); c.4585C>T, p.Gln1529Ter (NM_001130978.2); c.4615C>T, p.Gln1539Ter (NM_001130979.2); c.4573C>T, p.Gln1525Ter (NM_001130980.2); c.4636C>T, p.Gln1546Ter (NM_001130981.2); c.4618C>T, p.Gln1540Ter (NM_001130982.2); and 5 more; short protein forms Q1495*, Q1515*, Q1529*, Q1494*, Q1508*, Q1525*, Q1526*, Q1509*.
Identifiers: ClinVar variation 2826286 (VCV002826286.3), dbSNP rs2094765959, ClinGen allele CA347219319.
Genomic context (GRCh38, chr2:71,656,174, plus strand): 5'-ACTTTCTTTCTGTCTCTTGTCCCCTCCTCTAATCCCCATGTGTGGCAGGTCTATGACACA[C>T]AGCTGGAGAATGTGGAGGCCTTTGAGGGCCTGTCTGACTTTTGTAACACCTTCAAGCTGT-3'

ClinVar aggregate classification (germline): Pathogenic (1 of 4 stars; one submission).

Conditions:
Neuromuscular disease caused by qualitative or quantitative defects of dysferlin. Also called: Dysferlinopathy; Qualitative or quantitative defects of dysferlin. Identifiers: Orphanet 207073, MedGen C2931687, MONDO:0016145.

gnomAD v4.1: 1 of 1,614,174 alleles (0.000062%); highest among the groups gnomAD compares: Non-Finnish European, 0.000085%; no homozygotes.

Submission:

Labcorp Genetics (formerly Invitae), Labcorp
Classification: Pathogenic for Neuromuscular disease caused by qualitative or quantitative defects of dysferlin. Last evaluated: 2023-12-23. Review status: criteria provided, single submitter. Criteria: Invitae Variant Classification Sherloc (09022015). Collection method: clinical testing. Allele origin: germline.
Comment: This sequence change creates a premature translational stop signal (p.Gln1508*) in the DYSF gene. It is expected to result in an absent or disrupted protein product. Loss-of-function variants in DYSF are known to be pathogenic (PMID: 17698709, 20301480). This variant is not present in population databases (gnomAD no frequency). This premature translational stop signal has been observed in individual(s) with dysferlinopathy (PMID: 36580222). For these reasons, this variant has been classified as Pathogenic.

Literature cited by the submitters: PubMed 17698709; PubMed 20301480; PubMed 36580222.